The following is an entry in ClinVar:

NM_001710.6(CFB):c.182T>A (p.Val61Glu)

Gene: CFB (complement factor B; plus strand). Cytogenetic location: 6p21.33.
Variant type: single nucleotide variant.
Coding change: c.182T>A on transcript NM_001710.6 (MANE Select); coding-DNA position 182, T replaced by A.
Protein change: p.Val61Glu; replaces valine 61 with glutamic acid.
Molecular consequence: missense variant.
Genome position (GRCh38, 1-based): chr6:31,946,490, T>A. VCF-style: chr6-31946490-T-A. GRCh37 (hg19) VCF-style: chr6-31914267-T-A.
Other names: short protein forms V61E.
Identifiers: ClinVar variation 1721784 (VCV001721784.5), dbSNP rs1771430720, ClinGen allele CA363388702.

ClinVar aggregate classification (germline): Uncertain significance (1 of 4 stars; one submission).

Allele frequency attached by ClinVar (database versions not stated): gnomAD exomes below 0.00001.
gnomAD v4.1: 1 of 1,613,042 alleles (0.000062%); highest among the groups gnomAD compares: Non-Finnish European, 0.000085%; no homozygotes.

Submission:

Labcorp Genetics (formerly Invitae), Labcorp
Classification: Uncertain significance. Last evaluated: 2022-10-17. Review status: criteria provided, single submitter. Criteria: Invitae Variant Classification Sherloc (09022015). Collection method: clinical testing. Allele origin: germline.
Comment: In summary, the available evidence is currently insufficient to determine the role of this variant in disease. Therefore, it has been classified as a Variant of Uncertain Significance. Advanced modeling of protein sequence and biophysical properties (such as structural, functional, and spatial information, amino acid conservation, physicochemical variation, residue mobility, and thermodynamic stability) performed at Invitae indicates that this missense variant is not expected to disrupt CFB protein function. Algorithms developed to predict the effect of sequence changes on RNA splicing suggest that this variant may disrupt the consensus splice site. This variant has not been reported in the literature in individuals affected with CFB-related conditions. This variant is not present in population databases (gnomAD no frequency). This sequence change replaces valine, which is neutral and non-polar, with glutamic acid, which is acidic and polar, at codon 61 of the CFB protein (p.Val61Glu).